The following is an entry in ClinVar:

ClinVar aggregate classification (germline): Uncertain significance. Review status: criteria provided, multiple submitters, no conflicts (2 of 4 stars). 4 submissions from 3 submitters: Uncertain significance (4). Last evaluated 2024-02-09.

Conditions:
Achromatopsia. Also called: Rod monochromatism. Identifiers: Orphanet 49382, MedGen C0152200, MONDO:0018852, HP:0011516.
Cone dystrophy 4 (COD4). Identifiers: Orphanet 49382, MedGen C2751308, MONDO:0013129, OMIM 613093.

Allele frequency attached by ClinVar (database versions not stated): ExAC 0.00002; gnomAD exomes 0.00004; gnomAD 0.00006; TOPMed 0.00006; ESP Exome Variant Server 0.00015.
gnomAD v4.1: 68 of 1,614,064 alleles (0.0042%); highest among the groups gnomAD compares: Non-Finnish European, 0.0051%; no homozygotes.

Submissions (4):

Blueprint Genetics
Classification: Uncertain significance. Last evaluated: 2024-02-09. Review status: criteria provided, single submitter. Criteria: ACMG Guidelines, 2015. Collection method: clinical testing. Allele origin: germline.

Labcorp Genetics (formerly Invitae), Labcorp
Classification: Uncertain significance. Last evaluated: 2022-08-05. Review status: criteria provided, single submitter. Criteria: Invitae Variant Classification Sherloc (09022015). Collection method: clinical testing. Allele origin: germline.
Comment: This sequence change replaces proline, which is neutral and non-polar, with leucine, which is neutral and non-polar, at codon 119 of the PDE6C protein (p.Pro119Leu). This variant is present in population databases (rs142772345, gnomAD 0.007%). This variant has not been reported in the literature in individuals affected with PDE6C-related conditions. ClinVar contains an entry for this variant (Variation ID: 301619). Algorithms developed to predict the effect of missense changes on protein structure and function are either unavailable or do not agree on the potential impact of this missense change (SIFT: "Deleterious"; PolyPhen-2: "Benign"; Align-GVGD: "Class C0"). In summary, the available evidence is currently insufficient to determine the role of this variant in disease. Therefore, it has been classified as a Variant of Uncertain Significance.

Illumina Laboratory Services, Illumina
Classification: Uncertain significance for Achromatopsia. Last evaluated: 2018-01-12. Review status: criteria provided, single submitter. Criteria: ICSL Variant Classification Criteria 13 December 2019. Collection method: clinical testing. Allele origin: germline.

Illumina Laboratory Services, Illumina
Classification: Uncertain significance for Cone dystrophy 4. Last evaluated: 2018-01-12. Review status: criteria provided, single submitter. Criteria: ICSL Variant Classification Criteria 13 December 2019. Collection method: clinical testing. Allele origin: germline.

NM_006204.4(PDE6C):c.356C>T (p.Pro119Leu)

Gene: PDE6C (phosphodiesterase 6C; plus strand). Cytogenetic location: 10q23.33.
Variant type: single nucleotide variant.
Coding change: c.356C>T on transcript NM_006204.4 (MANE Select); coding-DNA position 356, C replaced by T.
Protein change: p.Pro119Leu; replaces proline 119 with leucine.
Molecular consequence: missense variant.
Genome position (GRCh38, 1-based): chr10:93,613,081, C>T. VCF-style: chr10-93613081-C-T. GRCh37 (hg19) VCF-style: chr10-95372838-C-T.
Other names: short protein forms P119L.
Identifiers: ClinVar variation 301619 (VCV000301619.12), dbSNP rs142772345, ClinGen allele CA5609819.